The following is an entry in ClinVar:

ClinVar aggregate classification (germline): Pathogenic (1 of 4 stars; one submission).

Conditions:
Cohen syndrome (COH1). Also called: PEPPER SYNDROME; Cutis verticis gyrata, retinitis pigmentosa, and sensorineural deafness. Identifiers: Orphanet 193, MedGen C0265223, MONDO:0008999, OMIM 216550.

Submission:

Myriad Genetics, Inc.
Classification: Pathogenic for Cohen syndrome. Last evaluated: 2026-01-20. Review status: criteria provided, single submitter. Criteria: Myriad Autosomal Dominant, Autosomal Recessive and X-Linked Classification Criteria (2023). Collection method: clinical testing. Allele origin: unknown.
Comment: NM_017890.4(VPS13B):c.7064delT(V2355Dfs*60) is a frameshift variant classified as pathogenic in the context of Cohen syndrome. V2355Dfs*60 has not been observed in cases with relevant disease. Relevant functional assessments of this variant are not available in the literature. V2355Dfs*60 has not been observed in referenced population frequency databases. In summary, NM_017890.4(VPS13B):c.7064delT(V2355Dfs*60) is a frameshift variant in a gene where loss of function is a known mechanism of disease and is predicted to disrupt protein function. Please note: this variant was assessed in the context of healthy population screening.

NM_152564.5(VPS13B):c.6989del (p.Val2330fs)

Gene: VPS13B (vacuolar protein sorting 13 homolog B; plus strand). Cytogenetic location: 8q22.2.
Variant type: Deletion.
Coding change: c.6989del on transcript NM_152564.5 (MANE Select); coding-DNA position 6989, one base deleted (T; older notation c.6989delT).
Protein change: p.Val2330fs; shifts the reading frame from valine 2330.
Molecular consequence: frameshift variant.
Genome position (GRCh38, 1-based): chr8:99,720,986, T deleted. VCF-style (leftmost placement, unchanged base first): chr8-99720985-GT-G. GRCh37 (hg19) VCF-style: chr8-100733213-GT-G.
Other names: c.7064del, p.Val2355fs (NM_017890.5); short protein forms V2330fs, V2355fs.
Identifiers: ClinVar variation 5004401 (VCV005004401.1).